The following is an entry in ClinVar:

NM_000435.3(NOTCH3):c.1313G>T (p.Gly438Val)

Gene: NOTCH3 (notch receptor 3; minus strand). Cytogenetic location: 19p13.12.
Variant type: single nucleotide variant.
Coding change: c.1313G>T on transcript NM_000435.3 (MANE Select); coding-DNA position 1313, G replaced by T.
Protein change: p.Gly438Val; replaces glycine 438 with valine.
Molecular consequence: missense variant.
Genome position (GRCh38, 1-based): chr19:15,189,054, C>A on the plus strand (G>T on the coding strand, the complement: NOTCH3 is on the minus strand). VCF-style: chr19-15189054-C-A. GRCh37 (hg19) VCF-style: chr19-15299865-C-A.
Other names: short protein forms G438V.
Identifiers: ClinVar variation 2684125 (VCV002684125.1), dbSNP rs1474051810, ClinGen allele CA404527882.

ClinVar aggregate classification (germline): Uncertain significance (1 of 4 stars; one submission).

Submission:

Athena Diagnostics
Classification: Uncertain significance. Last evaluated: 2023-08-30. Review status: criteria provided, single submitter. Criteria: Athena Diagnostics Criteria. Collection method: clinical testing. Allele origin: unknown.
Comment: Available data are insufficient to determine the clinical significance of the variant at this time. This variant has not been reported in large, multi-ethnic general populations. Computational tools disagree on the variant's effect on normal protein function. Greater than 90% of NOTCH3 pathogenic variants associated with CADASIL involve the gain or loss of a cysteine residue within the epidermal growth factor (EGF)-like repeat domain (PMID: 32457593, 20301673).